The following is an entry in ClinVar:

ClinVar aggregate classification (germline): Uncertain significance (0 of 4 stars; one submission).

Conditions:
NRP1-related disorder. Also called: NRP1-related condition.

gnomAD v4.1: 41 of 1,613,944 alleles (0.0025%); highest among the groups gnomAD compares: Non-Finnish European, 0.0035%; no homozygotes.

Submission:

PreventionGenetics, part of Exact Sciences
Classification: Uncertain significance for NRP1-related condition. Last evaluated: 2024-04-30. Review status: no assertion criteria provided. Collection method: clinical testing. Allele origin: germline.
Comment: The NRP1 c.928T>C variant is predicted to result in the amino acid substitution p.Tyr310His. To our knowledge, this variant has not been reported in the literature. This variant is reported in 0.00088% of alleles in individuals of European (Non-Finnish) descent in gnomAD. At this time, the clinical significance of this variant is uncertain due to the absence of conclusive functional and genetic evidence.

NM_003873.7(NRP1):c.928T>C (p.Tyr310His)

Gene: NRP1 (neuropilin 1; minus strand). Cytogenetic location: 10p11.22.
Variant type: single nucleotide variant.
Coding change: c.928T>C on transcript NM_003873.7 (MANE Select); coding-DNA position 928, T replaced by C.
Protein change: p.Tyr310His; replaces tyrosine 310 with histidine.
Molecular consequence: missense variant. On other transcripts: non-coding transcript variant (1).
Genome position (GRCh38, 1-based): chr10:33,254,081, A>G on the plus strand (T>C on the coding strand, the complement: NRP1 is on the minus strand). VCF-style: chr10-33254081-A-G. GRCh37 (hg19) VCF-style: chr10-33543009-A-G.
Other names: c.928T>C, p.Tyr310His (NM_001024628.3, NM_001024629.3, NM_001244972.2 and 2 more transcripts); short protein forms Y310H.
Identifiers: ClinVar variation 3345225 (VCV003345225.1).